The following is an entry in ClinVar:

ClinVar aggregate classification (germline): Benign/Likely benign. Review status: criteria provided, multiple submitters, no conflicts (2 of 4 stars). 4 submissions from 4 submitters: Benign (1); Likely benign (3). Last evaluated 2026-01-18.

Conditions:
Hereditary cancer-predisposing syndrome. Also called: Hereditary Cancer Syndrome; Hereditary neoplastic syndrome; Neoplastic Syndromes, Hereditary; Tumor predisposition. Identifiers: Orphanet 140162, MedGen C0027672, MeSH D009386, MONDO:0015356.
Oligodontia-cancer predisposition syndrome. Also called: TOOTH AGENESIS-COLORECTAL CANCER SYNDROME. Identifiers: Orphanet 300576, MedGen C1837750, MONDO:0012075, OMIM 608615. Disease mechanism: loss of function.

Allele frequency attached by ClinVar (database versions not stated): TOPMed below 0.00001; gnomAD 0.00001; gnomAD exomes 0.00001 and 0.00002.

Submissions (4):

Labcorp Genetics (formerly Invitae), Labcorp
Classification: Likely benign for Oligodontia-cancer predisposition syndrome. Last evaluated: 2026-01-18. Review status: criteria provided, single submitter. Criteria: Invitae Variant Classification Sherloc (09022015). Collection method: clinical testing. Allele origin: germline.

Myriad Genetics, Inc.
Classification: Benign for Oligodontia-cancer predisposition syndrome. Last evaluated: 2024-07-10. Review status: criteria provided, single submitter. Criteria: Myriad Autosomal Dominant, Autosomal Recessive and X-Linked Classification Criteria (2023). Collection method: clinical testing. Allele origin: unknown.
Comment: This variant is considered benign. This variant is a silent/synonymous amino acid change and it is not expected to impact splicing.

GeneDx
Classification: Likely benign. Last evaluated: 2021-09-10. Review status: criteria provided, single submitter. Criteria: GeneDx Variant Classification Process June 2021. Collection method: clinical testing. Allele origin: germline. Affected: yes.

Ambry Genetics
Classification: Likely benign for Hereditary cancer-predisposing syndrome. Last evaluated: 2021-06-25. Review status: criteria provided, single submitter. Criteria: Ambry Variant Classification Scheme 2023. Collection method: clinical testing. Allele origin: germline.

NM_004655.4(AXIN2):c.2343G>A (p.Leu781=)

Gene: AXIN2 (axin 2; minus strand). Cytogenetic location: 17q24.1.
Variant type: single nucleotide variant.
Coding change: c.2343G>A on transcript NM_004655.4 (MANE Select); coding-DNA position 2343, G replaced by A.
Protein change: p.Leu781=; no amino-acid change (leucine 781 retained).
Molecular consequence: synonymous variant.
Genome position (GRCh38, 1-based): chr17:65,533,974, C>T on the plus strand (G>A on the coding strand, the complement: AXIN2 is on the minus strand). VCF-style: chr17-65533974-C-T. GRCh37 (hg19) VCF-style: chr17-63530092-C-T.
Other names: c.2148G>A, p.Leu716= (NM_001363813.1); c.2343G>A (LRG_296t1).
Identifiers: ClinVar variation 385102 (VCV000385102.18), dbSNP rs1057522118, ClinGen allele CA16608602.